The following is an entry in ClinVar:

ClinVar aggregate classification (germline): Uncertain significance (1 of 4 stars; one submission).

Conditions:
Inborn genetic diseases. Identifiers: MedGen C0950123, MeSH D030342.

gnomAD v4.1: 10 of 1,613,880 alleles (0.00062%); highest among the groups gnomAD compares: Non-Finnish European, 0.000085%; no homozygotes.

Submission:

Ambry Genetics
Classification: Uncertain significance for Inborn genetic diseases. Last evaluated: 2025-01-19. Review status: criteria provided, single submitter. Criteria: Ambry Variant Classification Scheme 2023. Collection method: clinical testing. Allele origin: germline.
Comment: The p.D5G variant (also known as c.14A>G), located in coding exon 1 of the HAX1 gene, results from an A to G substitution at nucleotide position 14. The aspartic acid at codon 5 is replaced by glycine, an amino acid with similar properties. This amino acid position is conserved. In addition, this alteration is predicted to be deleterious by in silico analysis. Based on the available evidence, the clinical significance of this variant remains unclear.

NM_006118.4(HAX1):c.14A>G (p.Asp5Gly)

Gene: HAX1 (HCLS1 associated protein X-1; plus strand). Cytogenetic location: 1q21.3.
Variant type: single nucleotide variant.
Coding change: c.14A>G on transcript NM_006118.4 (MANE Select); coding-DNA position 14, A replaced by G.
Protein change: p.Asp5Gly; replaces aspartic acid 5 with glycine.
Molecular consequence: missense variant.
Genome position (GRCh38, 1-based): chr1:154,272,737, A>G. VCF-style: chr1-154272737-A-G. GRCh37 (hg19) VCF-style: chr1-154245213-A-G.
Other names: c.14A>G, p.Asp5Gly (NM_001018837.2); short protein forms D5G.
Identifiers: ClinVar variation 3856878 (VCV003856878.1).